The following is an entry in ClinVar:

NM_025077.4(TOE1):c.940_941del (p.Gln314fs)

Gene: TOE1 (target of EGR1, exonuclease; plus strand). Cytogenetic location: 1p34.1.
Variant type: Microsatellite.
Coding change: c.940_941del on transcript NM_025077.4 (MANE Select); coding-DNA positions 940 to 941, 2 bases deleted (CA; older notation c.940_941delCA).
Protein change: p.Gln314fs; shifts the reading frame from glutamine 314.
Molecular consequence: frameshift variant.
Genome position (GRCh38, 1-based): chr1:45,343,109-45,343,110, CA deleted; deleting any 2 consecutive bases within chr1:45,343,107-45,343,110 gives the same sequence; the c. name uses the placement nearest the transcript's 3' end. VCF-style (leftmost placement, unchanged base first): chr1-45343106-CCA-C. GRCh37 (hg19) VCF-style: chr1-45808778-CCA-C.
Other names: c.940_941del (NM_025077.3); short protein forms Q314fs.
Identifiers: ClinVar variation 524117 (VCV000524117.12), dbSNP rs780563835, ClinGen allele CA826736.

ClinVar aggregate classification (germline): Pathogenic/Likely pathogenic. Review status: criteria provided, multiple submitters, no conflicts (2 of 4 stars). 5 submissions from 5 submitters: Pathogenic (3); Likely pathogenic (1). 1 of the submissions does not count toward it. Last evaluated 2025-09-10.

Conditions:
TOE1-related disorder. Also called: TOE1-related condition.
Pontocerebellar hypoplasia type 7. Identifiers: Orphanet 284339, MedGen C3554226, MONDO:0013993, OMIM 614969.

Submissions (5):

Labcorp Genetics (formerly Invitae), Labcorp
Classification: Pathogenic. Last evaluated: 2025-09-10. Review status: criteria provided, single submitter. Criteria: Invitae Variant Classification Sherloc (09022015). Collection method: clinical testing. Allele origin: germline.
Comment: This sequence change creates a premature translational stop signal (p.Gln314Valfs*8) in the TOE1 gene. While this is not anticipated to result in nonsense mediated decay, it is expected to disrupt the last 197 amino acid(s) of the TOE1 protein. This variant is present in population databases (rs780563835, gnomAD 0.009%). This premature translational stop signal has been observed in individual(s) with pontocerebellar hypoplasia (PMID: 28092684). In at least one individual the data is consistent with being in trans (on the opposite chromosome) from a pathogenic variant. ClinVar contains an entry for this variant (Variation ID: 524117). For these reasons, this variant has been classified as Pathogenic.

GeneDx
Classification: Pathogenic. Last evaluated: 2024-03-29. Review status: criteria provided, single submitter. Criteria: GeneDx Variant Classification Process June 2021. Collection method: clinical testing. Allele origin: germline. Affected: yes.
Comment: Frameshift variant predicted to result in protein truncation as the last 197 amino acids are replaced with 7 different amino acids; This variant is associated with the following publications: (PMID: 28092684)

Victorian Clinical Genetics Services, Murdoch Childrens Research Institute
Classification: Pathogenic for Pontocerebellar hypoplasia type 7. Last evaluated: 2023-12-21. Review status: criteria provided, single submitter. Criteria: ACMG Guidelines, 2015. Collection method: clinical testing. Allele origin: germline. Inheritance: Autosomal recessive inheritance. Affected: yes.
Comment: Based on the classification scheme VCGS_Germline_v1.3.4, this variant is classified as Pathogenic. Following criteria are met: 0102 - Loss of function is a known mechanism of disease in this gene and is associated with pontocerebellar hypoplasia, type 7 (MIM#614969). (I) 0106 - This gene is associated with autosomal recessive disease. (I) 0204 - Variant is predicted to result in a truncated protein (premature termination codon is NOT located at least 54 nucleotides upstream of the final exon-exon junction) with at least 1/3 of the protein sequence affected. (SP) 0251 - This variant is heterozygous. (I) 0304 - Variant is present in gnomAD (v2) <0.01 for a recessive condition (9 heterozygotes, 0 homozygotes). (SP) 0601 - Variant truncates part of the well-established functional Zinc finger C-x8-C-x5-C-x3-H type domain, including the last cysteine and histidine residues in the zinc finger domain (DECIPHER). (SP) 0702 - Other truncating variants comparable to the one identified in this case have strong previous evidence for pathogenicity. Three downstream truncating variants have been classified as likely pathogenic by clinical laboratories in ClinVar, and another has been classified as a VUS. (SP) 0803 - This variant has limited previous evidence of pathogenicity in unrelated individuals. This variant has been classified as pathogenic and as a VUS by clinical laboratories in ClinVar, and has been observed in two families with pontocerebellar hypoplasia who both also had the same missense variant (PMID: 28092684). (SP) 0905 - No published segregation evidence has been identified for this variant. (I) 1208 - Inheritance information for this variant is not currently available in this individual. (I) Legend: (SP) - Supporting pathogenic, (I) - Information, (SB) - Supporting benign

Blueprint Genetics
Classification: Likely pathogenic for TOE1-related disorders. Last evaluated: 2020-03-04. Review status: criteria provided, single submitter. Criteria: ACMG Guidelines, 2015. Collection method: clinical testing. Allele origin: germline. Affected: yes. Observed: 3 variant alleles.

OMIM
Classification: Pathogenic for PONTOCEREBELLAR HYPOPLASIA, TYPE 7. Last evaluated: 2017-04-15. Review status: no assertion criteria provided. Collection method: literature only. Allele origin: germline. Not counted in ClinVar's aggregate classification.

Literature cited by the submitters: PubMed 28092684 (cited by 3 submitters).